The following is an entry in ClinVar:

ClinVar aggregate classification (germline): Conflicting classifications of pathogenicity. Review status: criteria provided, conflicting classifications (1 of 4 stars). 3 submissions from 3 submitters: Uncertain significance (1); Likely benign (2). Last evaluated 2026-08-23.

Conditions:
Early-infantile DEE. Also called: Early infantile epileptic encephalopathy with suppression bursts; Early infantile epileptic encephalopathy; Ohtahara syndrome. Identifiers: Orphanet 1934, MedGen C0393706, MONDO:0800491.
ST3GAL3-related disorder. Also called: ST3GAL3-related condition; ST3GAL3-Related Disorders.

Allele frequency attached by ClinVar (database versions not stated): gnomAD exomes 0.00002 and 0.00004; TOPMed 0.00002; gnomAD 0.00003 and 0.00004; ExAC 0.00004.
gnomAD v4.1: 33 of 1,614,108 alleles (0.002%); highest among the groups gnomAD compares: Non-Finnish European, 0.00034%; no homozygotes.

Submissions (3):

PreventionGenetics, part of Exact Sciences
Classification: Likely benign for ST3GAL3-related condition. Last evaluated: 2026-08-23. Review status: criteria provided, single submitter. Criteria: ACMG Guidelines, 2015. Collection method: clinical testing. Allele origin: germline.
Comment: This variant is classified as likely benign based on ACMG/AMP sequence variant interpretation guidelines (Richards et al. 2015 PMID: 25741868, with internal and published modifications).

Labcorp Genetics (formerly Invitae), Labcorp
Classification: Likely benign for Early-infantile DEE. Last evaluated: 2025-08-09. Review status: criteria provided, single submitter. Criteria: Invitae Variant Classification Sherloc (09022015). Collection method: clinical testing. Allele origin: germline.

Genetic Services Laboratory, University of Chicago
Classification: Uncertain significance. Last evaluated: 2015-09-21. Review status: criteria provided, single submitter. Criteria: ACMG Guidelines, 2015. Collection method: clinical testing. Allele origin: germline. Affected: no.

NM_006279.5(ST3GAL3):c.516G>A (p.Lys172=)

Gene: ST3GAL3 (ST3 beta-galactoside alpha-2,3-sialyltransferase 3; plus strand). Cytogenetic location: 1p34.1.
Variant type: single nucleotide variant.
Coding change: c.516G>A on transcript NM_006279.5 (MANE Select); coding-DNA position 516, G replaced by A.
Protein change: p.Lys172=; no amino-acid change (lysine 172 retained).
Molecular consequence: synonymous variant. On other transcripts: non-coding transcript variant (7), intron variant (4).
Genome position (GRCh38, 1-based): chr1:43,899,222, G>A. VCF-style: chr1-43899222-G-A. GRCh37 (hg19) VCF-style: chr1-44364894-G-A.
Other names: c.516G>A, p.Lys172= (NM_001270459.2, NM_001350620.2, NM_174966.4); c.423G>A, p.Lys141= (NM_001270460.2); c.468G>A, p.Lys156= (NM_001270461.3, NM_001270464.3, NM_174969.4); c.375G>A, p.Lys125= (NM_001270462.3); c.513G>A, p.Lys171= (NM_001270463.3, NM_001270465.3); c.561G>A, p.Lys187= (NM_001350619.2, NM_174964.4); c.237G>A, p.Lys79= (NM_001350621.2); c.678G>A, p.Lys226= (NM_001363573.2, NM_174968.5); and 7 more.
Identifiers: ClinVar variation 436874 (VCV000436874.11), dbSNP rs754735171, ClinGen allele CA814728.